The following is an entry in ClinVar:

ClinVar aggregate classification (germline): Uncertain significance (1 of 4 stars; one submission).

Conditions:
Emery-Dreifuss muscular dystrophy 4, autosomal dominant (EDMD4). Also called: EMERY-DREIFUSS MUSCULAR DYSTROPHY 4 WITH VARIABLE FEATURES. Identifiers: Orphanet 261, MedGen C2751807, MONDO:0013071, OMIM 612998.
Autosomal recessive ataxia, Beauce type. Also called: SYNE1 Deficiency; Spinocerebellar ataxia, autosomal recessive 8; ATAXIA, RECESSIVE, OF BEAUCE; SYNE1-Related Autosomal Recessive Cerebellar Ataxia. Identifiers: Orphanet 88644, MedGen C1853116, MONDO:0012549, OMIM 610743.

Allele frequency attached by ClinVar (database versions not stated): ExAC 0.00001; gnomAD 0.00001; TOPMed 0.00002; 1000 Genomes Project 30x 0.00016; 1000 Genomes Project 0.00020.
gnomAD v4.1: 5 of 1,613,698 alleles (0.00031%); highest among the groups gnomAD compares: African/African-American, 0.004%; no homozygotes.

Submission:

Labcorp Genetics (formerly Invitae), Labcorp
Classification: Uncertain significance for Emery-Dreifuss muscular dystrophy 4, autosomal dominant; Autosomal recessive ataxia, Beauce type. Last evaluated: 2023-12-18. Review status: criteria provided, single submitter. Criteria: Invitae Variant Classification Sherloc (09022015). Collection method: clinical testing. Allele origin: germline.
Comment: This sequence change replaces histidine, which is basic and polar, with aspartic acid, which is acidic and polar, at codon 3231 of the SYNE1 protein (p.His3231Asp). This variant is present in population databases (rs557642990, gnomAD 0.007%). This variant has not been reported in the literature in individuals affected with SYNE1-related conditions. ClinVar contains an entry for this variant (Variation ID: 2085341). An algorithm developed to predict the effect of missense changes on protein structure and function (PolyPhen-2) suggests that this variant is likely to be tolerated. In summary, the available evidence is currently insufficient to determine the role of this variant in disease. Therefore, it has been classified as a Variant of Uncertain Significance.

NM_182961.4(SYNE1):c.9670C>G (p.His3224Asp)

Gene: SYNE1 (spectrin repeat containing nuclear envelope protein 1; minus strand). Cytogenetic location: 6q25.2.
Variant type: single nucleotide variant.
Coding change: c.9670C>G on transcript NM_182961.4 (MANE Select); coding-DNA position 9670, C replaced by G.
Protein change: p.His3224Asp; replaces histidine 3224 with aspartic acid.
Molecular consequence: missense variant.
Genome position (GRCh38, 1-based): chr6:152,369,109, G>C on the plus strand (C>G on the coding strand, the complement: SYNE1 is on the minus strand). VCF-style: chr6-152369109-G-C. GRCh37 (hg19) VCF-style: chr6-152690244-G-C.
Other names: c.9691C>G, p.His3231Asp (NM_033071.5); short protein forms H3231D, H3224D.
Identifiers: ClinVar variation 2085341 (VCV002085341.4), dbSNP rs557642990, ClinGen allele CA4057249.
Genomic context (GRCh38, chr6:152,369,109, plus strand): 5'-GTCCTTCCCACAGCTGCTGAGCTTTCTCTTTCAGCCTGTTGAGCTGAGGCTCGTAGCAGT[G>C]TATTTCCTCAAGGACAGACTGAAAAGCACAAGCAAGTTACTATTCAGAGGCTGGGGAAAA-3'
Protein context (NP_892006.3, residues 3214-3234): QKLQSVLEEI[His3224Asp]CYEPQLNRLK